The following is an entry in ClinVar:

ClinVar aggregate classification (germline): Uncertain significance. Review status: criteria provided, multiple submitters, no conflicts (2 of 4 stars). 2 submissions from 2 submitters: Uncertain significance (2). Last evaluated 2023-11-13.

Conditions:
DICER1-related tumor predisposition. Also called: DICER1-related pleuropulmonary blastoma cancer predisposition syndrome; DICER1 syndrome. Identifiers: Orphanet 284343, MedGen C3839822, MONDO:0100216.
Hereditary cancer-predisposing syndrome. Also called: Neoplastic Syndromes, Hereditary; Tumor predisposition; Hereditary neoplastic syndrome; Hereditary Cancer Syndrome. Identifiers: Orphanet 140162, MedGen C0027672, MeSH D009386, MONDO:0015356.

Submissions (2):

Labcorp Genetics (formerly Invitae), Labcorp
Classification: Uncertain significance for DICER1-related tumor predisposition. Last evaluated: 2023-11-13. Review status: criteria provided, single submitter. Criteria: Invitae Variant Classification Sherloc (09022015). Collection method: clinical testing. Allele origin: germline.
Comment: This sequence change replaces arginine, which is basic and polar, with glycine, which is neutral and non-polar, at codon 935 of the DICER1 protein (p.Arg935Gly). This variant is not present in population databases (gnomAD no frequency). This variant has not been reported in the literature in individuals affected with DICER1-related conditions. ClinVar contains an entry for this variant (Variation ID: 1796236). An algorithm developed to predict the effect of missense changes on protein structure and function (PolyPhen-2) suggests that this variant is likely to be disruptive. In summary, the available evidence is currently insufficient to determine the role of this variant in disease. Therefore, it has been classified as a Variant of Uncertain Significance.

Ambry Genetics
Classification: Uncertain significance for Hereditary cancer-predisposing syndrome. Last evaluated: 2017-12-04. Review status: criteria provided, single submitter. Criteria: Ambry Variant Classification Scheme 2023. Collection method: clinical testing. Allele origin: germline.
Comment: The p.R935G variant (also known as c.2803A>G), located in coding exon 16 of the DICER1 gene, results from an A to G substitution at nucleotide position 2803. The arginine at codon 935 is replaced by glycine, an amino acid with dissimilar properties. This amino acid position is highly conserved in available vertebrate species. In addition, the in silico prediction for this alteration is inconclusive. Since supporting evidence is limited at this time, the clinical significance of this alteration remains unclear.

NM_177438.3(DICER1):c.2803A>G (p.Arg935Gly)

Gene: DICER1 (dicer 1, ribonuclease III; minus strand). Cytogenetic location: 14q32.13.
Variant type: single nucleotide variant.
Coding change: c.2803A>G on transcript NM_177438.3 (MANE Select); coding-DNA position 2803, A replaced by G.
Protein change: p.Arg935Gly; replaces arginine 935 with glycine.
Molecular consequence: missense variant. On other transcripts: non-coding transcript variant (6).
Genome position (GRCh38, 1-based): chr14:95,107,609, T>C on the plus strand (A>G on the coding strand, the complement: DICER1 is on the minus strand). VCF-style: chr14-95107609-T-C. GRCh37 (hg19) VCF-style: chr14-95573946-T-C.
Other names: c.2803A>G, p.Arg935Gly (NM_001395695.1, NM_030621.4, NM_001195573.1 and 13 more transcripts); c.2398A>G, p.Arg800Gly (NM_001395696.1, NM_001395687.1, NM_001395688.1 and 2 more transcripts); c.1120A>G, p.Arg374Gly (NM_001395697.1); c.2521A>G, p.Arg841Gly (NM_001395686.1); c.2236A>G, p.Arg746Gly (NM_001395691.1); short protein forms R800G, R746G, R935G, R374G, R841G.
Identifiers: ClinVar variation 1796236 (VCV001796236.5), dbSNP rs2542827740, ClinGen allele CA390879400.